The following is an entry in ClinVar:

NM_000252.3(MTM1):c.473del (p.Lys158fs)

Gene: MTM1 (myotubularin 1; plus strand). Cytogenetic location: Xq28.
Variant type: Deletion.
Coding change: c.473del on transcript NM_000252.3 (MANE Select); coding-DNA position 473, one base deleted (A; older notation c.473delA).
Protein change: p.Lys158fs; shifts the reading frame from lysine 158.
Molecular consequence: frameshift variant.
Genome position (GRCh38, 1-based): chrX:150,638,971, A deleted; the last of 4 consecutive A bases (chrX:150,638,968-150,638,971); deleting any one gives the same sequence. VCF-style (leftmost placement, unchanged base first): chrX-150638967-GA-G. GRCh37 (hg19) VCF-style: chrX-149807440-GA-G.
Other names: c.473del, p.Lys158fs (NM_001376906.1, NM_001376908.1); c.362del, p.Lys121fs (NM_001376907.1); short protein forms K121fs, K158fs.
Identifiers: ClinVar variation 2737396 (VCV002737396.3), dbSNP rs2522349795, ClinGen allele CA2695238619.
Genomic context (GRCh38, chrX:150,638,967, plus strand): 5'-TCACGCTGAACTTTATTTATTTTTTGCCTTTTCTAGCCATTATTTGCATTTTTAAATGAA[GA>G]AAAGTTTAACGTGGATGGATGGACAGTTTACAATCCAGTGGAAGAATACAGGAGGCAGGT-3'

ClinVar aggregate classification (germline): Pathogenic (1 of 4 stars; one submission).

Conditions:
Severe X-linked myotubular myopathy (CNMX). Also called: MYOTUBULAR MYOPATHY 1; Myotubular myopathy, X-linked; X-linked centronuclear myopathy. Identifiers: Orphanet 596, MedGen C0410203, MONDO:0010683, OMIM 310400.

Submission:

Labcorp Genetics (formerly Invitae), Labcorp
Classification: Pathogenic for Severe X-linked myotubular myopathy. Last evaluated: 2024-01-07. Review status: criteria provided, single submitter. Criteria: Invitae Variant Classification Sherloc (09022015). Collection method: clinical testing. Allele origin: germline.
Comment: This sequence change creates a premature translational stop signal (p.Lys158Serfs*28) in the MTM1 gene. It is expected to result in an absent or disrupted protein product. Loss-of-function variants in MTM1 are known to be pathogenic (PMID: 9305655, 10063835). This variant is not present in population databases (gnomAD no frequency). This premature translational stop signal has been observed in individual(s) with myotubular myopathy (PMID: 23346162). For these reasons, this variant has been classified as Pathogenic.

Literature cited by the submitters: PubMed 9305655; PubMed 10063835; PubMed 23346162.